The following is an entry in ClinVar:

NM_003126.4(SPTA1):c.1675G>A (p.Gly559Arg)

Gene: SPTA1 (spectrin alpha, erythrocytic 1; minus strand). Cytogenetic location: 1q23.1.
Variant type: single nucleotide variant.
Coding change: c.1675G>A on transcript NM_003126.4 (MANE Select); coding-DNA position 1675, G replaced by A.
Protein change: p.Gly559Arg; replaces glycine 559 with arginine.
Molecular consequence: missense variant.
Genome position (GRCh38, 1-based): chr1:158,669,711, C>T on the plus strand (G>A on the coding strand, the complement: SPTA1 is on the minus strand). VCF-style: chr1-158669711-C-T. GRCh37 (hg19) VCF-style: chr1-158639501-C-T.
Other names: p.Gly559Arg; short protein forms G559R.
Identifiers: ClinVar variation 2459446 (VCV002459446.6), dbSNP rs199638352, ClinGen allele CA1183670.

ClinVar aggregate classification (germline): Uncertain significance. Review status: criteria provided, multiple submitters, no conflicts (2 of 4 stars). 3 submissions from 3 submitters: Uncertain significance (3). Last evaluated 2025-06-24.

Allele frequency attached by ClinVar (database versions not stated): TOPMed 0.00025; ESP Exome Variant Server 0.00025.
gnomAD v4.1: 180 of 1,613,976 alleles (0.011%); highest among the groups gnomAD compares: African/African-American, 0.063%; no homozygotes.

Submissions (3):

Labcorp Genetics (formerly Invitae), Labcorp
Classification: Uncertain significance. Last evaluated: 2025-06-24. Review status: criteria provided, single submitter. Criteria: Invitae Variant Classification Sherloc (09022015). Collection method: clinical testing. Allele origin: germline.
Comment: This sequence change replaces glycine, which is neutral and non-polar, with arginine, which is basic and polar, at codon 559 of the SPTA1 protein (p.Gly559Arg). This variant is present in population databases (rs199638352, gnomAD 0.05%). This variant has not been reported in the literature in individuals affected with SPTA1-related conditions. ClinVar contains an entry for this variant (Variation ID: 2459446). An algorithm developed to predict the effect of missense changes on protein structure and function outputs the following: PolyPhen-2: "Benign". The arginine amino acid residue is found in multiple mammalian species, which suggests that this missense change does not adversely affect protein function. In summary, the available evidence is currently insufficient to determine the role of this variant in disease. Therefore, it has been classified as a Variant of Uncertain Significance.

Mayo Clinic Laboratories, Mayo Clinic
Classification: Uncertain significance. Last evaluated: 2023-02-14. Review status: criteria provided, single submitter. Criteria: ACMG Guidelines, 2015. Collection method: clinical testing. Allele origin: germline. Observed: 6 variant alleles.

Ambry Genetics
Classification: Uncertain significance. Last evaluated: 2023-02-06. Review status: criteria provided, single submitter. Criteria: Ambry Variant Classification Scheme 2023. Collection method: clinical testing. Allele origin: germline.